The following is an entry in ClinVar:

GRCh37/hg19 10q26.2-26.3(chr10:130043370-135345340)x1

Genes: ADAM8 (ADAM metallopeptidase domain 8; minus strand), ADGRA1 (adhesion G protein-coupled receptor A1; plus strand), BNIP3 (BCL2 interacting protein 3; minus strand), CALY (calcyon neuron specific vesicular protein; minus strand), CFAP46 (cilia and flagella associated protein 46; minus strand) and 27 more. Cytogenetic location: 10q26.2-26.3.
Variant type: copy number loss.
Change: copy number 1 (one copy instead of two) of chr10:130,043,370-135,345,340 (5.30 Mb, GRCh37 coordinates, 1-based), cytogenetic band 10q26.2-26.3.
Identifiers: ClinVar variation 1808640 (VCV001808640.1).

ClinVar aggregate classification (germline): Pathogenic (1 of 4 stars; one submission).

Submission:

Quest Diagnostics Nichols Institute San Juan Capistrano
Classification: Pathogenic. Last evaluated: 2022-04-23. Review status: criteria provided, single submitter. Criteria: ACMG/ClinGen CNV Guidelines, 2019. Collection method: clinical testing. Allele origin: unknown.
Comment: The copy number loss of 10q26.2q26.3 involves multiple protein-coding genes, including EBF3 (OMIM 607407). Deletions within 10q26.2q26.3 are associated with chromosome 10q26 deletion syndrome (OMIM 609625). The common clinical features include developmental delays (DD), distinctive facial dysmorphism, cardiac abnormalities, and urogenital anomalies (Lin 2016; Yatsenko 2009). A 500 kb minimal overlapping region of 10q26 deletion syndrome has been proposed which includes DOCK1, INSYN2 and NPS, which are not included in the current interval (Cherik 2021; Faria 2016). However, several reports have proposed other minimum critical regions for each phenotype, with the current interval being likely associated with craniofacial anomalies, DD, intellectual disability (ID) and possibly cardiac malformations (Ignatius 2020; Lacaria 2017; Lin 2016; Lopes 2017; Nishi 2021; Plaisancie 2014). Additionally, heterozygous sequence variants of EBF3 are associated with hypotonia, ataxia, and delayed development syndrome (HADDS; 617330), and there are multiple genes in this copy number loss that are associated with autosomal recessive disorders: NKX6-2 (OMIM 605955), TUBGCP2 (OMIM 617817), and ECHS1 (OMIM 602292). Even though copy number losses of this specific interval have not yet been associated with a clinical phenotype, there are no similar copy number losses of this region in the general populations of the Database of Genomic Variants. Thus, based on current medical literature and gene content, this copy number variant (CNV) is interpreted as pathogenic. Unique Rare Chromosome Disorders website has a booklet on 10q25 and 10q26 deletions which may be helpful for patient and family education (2010q26%20deletions%20FTNW.pdf). References: Cherik et al., Eur J Med Genet. 2021 Jul 9;64(9):104287. PMID: 34252586. Faria et al., Am J Med Genet A. 2016 Feb;170A(2):403-9. PMID: 26566760. Ignatius et al., Neurol Genet. 2020 Jun 5;6(4):e444. PMID: 32637629. Lacaria et al., Am J Med Genet A. 2017 Jun;173(6):1611-1619. PMID: 28432728. Lin et al., Mol Med Rep. 2016 Dec;14(6):5134-5140. PMID: 27779662. Lopes et al., Front Genet. 2017 Oct 9;8:143. PMID: 29062322. Nishi et al., Am J Med Genet A. 2021 Oct;185(10):2913-2921. PMID: 34050706. Plaisancie et al., Eur J Med Genet. 2014 Jan;57(1):47-53. PMID: 24275544. Yatsenko et al., Clin Genet. 2009 Jul;76(1):54-62. PMID: 19558528.